The following is an entry in ClinVar:

ClinVar aggregate classification (germline): Uncertain significance (1 of 4 stars; one submission).

Conditions:
Microcephaly, normal intelligence and immunodeficiency (NBS). Also called: Ataxia telangiectasia variant V1; IMMUNODEFICIENCY, MICROCEPHALY, AND CHROMOSOMAL INSTABILITY; SEEMANOVA SYNDROME II; Immunodeficiency, microcephaly with normal intelligence; Nijmegen breakage syndrome; Microcephaly with normal intelligence immunodeficiency and lymphoreticular malignancies. Identifiers: Orphanet 647, MedGen C0398791, MONDO:0009623, OMIM 251260.

Submission:

Labcorp Genetics (formerly Invitae), Labcorp
Classification: Uncertain significance for Microcephaly, normal intelligence and immunodeficiency. Last evaluated: 2022-10-26. Review status: criteria provided, single submitter. Criteria: Invitae Variant Classification Sherloc (09022015). Collection method: clinical testing. Allele origin: germline.
Comment: This variant is not present in population databases (gnomAD no frequency). This sequence change replaces leucine, which is neutral and non-polar, with phenylalanine, which is neutral and non-polar, at codon 522 of the NBN protein (p.Leu522Phe). In summary, the available evidence is currently insufficient to determine the role of this variant in disease. Therefore, it has been classified as a Variant of Uncertain Significance. Algorithms developed to predict the effect of missense changes on protein structure and function (SIFT, PolyPhen-2, Align-GVGD) all suggest that this variant is likely to be tolerated. This variant has not been reported in the literature in individuals affected with NBN-related conditions.

NM_002485.5(NBN):c.1566A>T (p.Leu522Phe)

Gene: NBN (nibrin; minus strand). Cytogenetic location: 8q21.3.
Variant type: single nucleotide variant.
Coding change: c.1566A>T on transcript NM_002485.5 (MANE Select); coding-DNA position 1566, A replaced by T.
Protein change: p.Leu522Phe; replaces leucine 522 with phenylalanine.
Molecular consequence: missense variant.
Genome position (GRCh38, 1-based): chr8:89,953,523, T>A on the plus strand (A>T on the coding strand, the complement: NBN is on the minus strand). VCF-style: chr8-89953523-T-A. GRCh37 (hg19) VCF-style: chr8-90965751-T-A.
Other names: c.1320A>T, p.Leu440Phe (NM_001024688.3); short protein forms L440F, L522F.
Identifiers: ClinVar variation 1722227 (VCV001722227.5), dbSNP rs2488232416, ClinGen allele CA371655581.